The following is an entry in ClinVar:

ClinVar aggregate classification (germline): Uncertain significance (1 of 4 stars; one submission).

Conditions:
Developmental and epileptic encephalopathy, 37 (DEE37). Also called: Epileptic encephalopathy, early infantile, 37. Identifiers: MedGen C4310770, MONDO:0014859, OMIM 616981.

Submission:

Labcorp Genetics (formerly Invitae), Labcorp
Classification: Uncertain significance for Developmental and epileptic encephalopathy, 37. Last evaluated: 2024-01-22. Review status: criteria provided, single submitter. Criteria: Invitae Variant Classification Sherloc (09022015). Collection method: clinical testing. Allele origin: germline.
Comment: This sequence change replaces glycine, which is neutral and non-polar, with aspartic acid, which is acidic and polar, at codon 10 of the FRRS1L protein (p.Gly10Asp). This variant is not present in population databases (gnomAD no frequency). This variant has not been reported in the literature in individuals affected with FRRS1L-related conditions. ClinVar contains an entry for this variant (Variation ID: 1475515). Experimental studies and prediction algorithms are not available or were not evaluated, and the functional significance of this variant is currently unknown. In summary, the available evidence is currently insufficient to determine the role of this variant in disease. Therefore, it has been classified as a Variant of Uncertain Significance.

NC_000009.12:g.109167263C>T

Gene: FRRS1L (ferric chelate reductase 1 like; minus strand). Cytogenetic location: 9q31.3.
Variant type: single nucleotide variant.
Genome position: GRCh38 VCF-style: chr9-109167263-C-T. GRCh37 (hg19) VCF-style: chr9-111929543-C-T.
Identifiers: ClinVar variation 1475515 (VCV001475515.6), dbSNP rs1435713401, ClinGen allele CA374431150.